The following is an entry in ClinVar:

ClinVar aggregate classification (germline): Pathogenic/Likely pathogenic. Review status: criteria provided, multiple submitters, no conflicts (2 of 4 stars). 4 submissions from 4 submitters: Pathogenic (2); Likely pathogenic (2). Last evaluated 2025-04-14.

Conditions:
Bifunctional peroxisomal enzyme deficiency (DBIF). Also called: PBFE DEFICIENCY; D-bifunctional protein deficiency; DBP DEFICIENCY. Identifiers: Orphanet 300, MedGen C0342870, MONDO:0009855, OMIM 261515. Disease mechanism: loss of function.
Perrault syndrome. Also called: Gonadal dysgenesis with auditory dysfunction, autosomal recessive inheritance. Identifiers: Orphanet 2855, MedGen C0685838, MONDO:0017312.
Perrault syndrome 1 (PRLTS1). Also called: GONADAL DYSGENESIS, XX TYPE, WITH DEAFNESS; OVARIAN DYSGENESIS WITH SENSORINEURAL DEAFNESS. Identifiers: Orphanet 2855, Orphanet 642945, MedGen C4551721, MONDO:0009300, OMIM 233400.

Allele frequency attached by ClinVar (database versions not stated): gnomAD exomes below 0.00001; TOPMed below 0.00001; gnomAD 0.00001.
gnomAD v4.1: 3 of 1,613,794 alleles (0.00019%); highest among the groups gnomAD compares: Non-Finnish European, 0.00025%; no homozygotes.

Submissions (4):

Natera, Inc.
Classification: Pathogenic for Bifunctional peroxisomal enzyme deficiency. Last evaluated: 2025-04-14. Review status: criteria provided, single submitter. Criteria: Natera Variant Classification Schema (03/2026). Collection method: clinical testing. Allele origin: germline.
Comment: The c.58+1G>T variant in HSD17B4 is a canonical splice donor site variant predicted to affect pre-mRNA splicing, which may result in an abnormal transcript and altered protein product. This variant is expected to result in nonsense mediated decay, truncation, or a dysfunctional protein product. This variant is rare in the general population with a frequency below the threshold expected for the associated phenotype(s). Another variant at this same site results in an alteration predicted to cause a similar molecular effect has been observed in individual(s) with the associated phenotype. Given the available evidence, this variant is classified as Pathogenic.

Fulgent Genetics
Classification: Likely pathogenic for Perrault syndrome 1; Bifunctional peroxisomal enzyme deficiency. Last evaluated: 2024-05-07. Review status: criteria provided, single submitter. Criteria: ACMG Guidelines, 2015. Collection method: clinical testing. Allele origin: germline.

Labcorp Genetics (formerly Invitae), Labcorp
Classification: Pathogenic for Perrault syndrome; Bifunctional peroxisomal enzyme deficiency. Last evaluated: 2024-01-31. Review status: criteria provided, single submitter. Criteria: Invitae Variant Classification Sherloc (09022015). Collection method: clinical testing. Allele origin: germline.
Comment: This sequence change affects a donor splice site in intron 1 of the HSD17B4 gene. It is expected to disrupt RNA splicing. Variants that disrupt the donor or acceptor splice site typically lead to a loss of protein function (PMID: 16199547), and loss-of-function variants in HSD17B4 are known to be pathogenic (PMID: 11810648, 16385454, 20673864). This variant is present in population databases (no rsID available, gnomAD 0.0009%). Disruption of this splice site has been observed in individual(s) with D-bifunctional protein deficiency (PMID: 27790638). It has also been observed to segregate with disease in related individuals. ClinVar contains an entry for this variant (Variation ID: 1459623). Algorithms developed to predict the effect of sequence changes on RNA splicing suggest that this variant may disrupt the consensus splice site. For these reasons, this variant has been classified as Pathogenic.

Baylor Genetics
Classification: Likely pathogenic for Bifunctional peroxisomal enzyme deficiency. Last evaluated: 2023-08-06. Review status: criteria provided, single submitter. Criteria: ACMG Guidelines, 2015. Collection method: clinical testing. Allele origin: unknown.

Literature cited by the submitters: PubMed 16199547 (cited by Labcorp Genetics (formerly Invitae), Labcorp); PubMed 11810648 (cited by Labcorp Genetics (formerly Invitae), Labcorp); PubMed 16385454 (cited by Labcorp Genetics (formerly Invitae), Labcorp); PubMed 20673864 (cited by Labcorp Genetics (formerly Invitae), Labcorp); PubMed 27790638 (cited by Labcorp Genetics (formerly Invitae), Labcorp).

NM_000414.4(HSD17B4):c.58+1G>T

Genes: HSD17B4 (hydroxysteroid 17-beta dehydrogenase 4; plus strand), LOC129994460 (ATAC-STARR-seq lymphoblastoid active region 22989; plus strand). Cytogenetic location: 5q23.1.
Variant type: single nucleotide variant.
Coding change: c.58+1G>T on transcript NM_000414.4 (MANE Select); the canonical splice donor site of the intron after coding-DNA position 58, G replaced by T.
Molecular consequence: splice donor variant. On other transcripts: 5 prime UTR variant (7), non-coding transcript variant (1).
Genome position (GRCh38, 1-based): chr5:119,452,634, G>T. VCF-style: chr5-119452634-G-T. GRCh37 (hg19) VCF-style: chr5-118788329-G-T.
Other names: c.-120G>T (NM_001199291.3); c.-541G>T (NM_001292028.2, NM_001374501.1); c.-475G>T (NM_001374499.1); c.-668G>T (NM_001374500.1); c.-546G>T (NM_001374502.1); c.-611G>T (NM_001374503.1); c.-80+1G>T (NM_001292027.2); c.58+1G>T (NM_001374498.1, NM_001374497.1, NM_001199292.2 and 1 more transcripts).
Identifiers: ClinVar variation 1459623 (VCV001459623.11), dbSNP rs1260517680, ClinGen allele CA360861755.